The following is an entry in ClinVar:

ClinVar aggregate classification (germline): Likely pathogenic (1 of 4 stars; one submission).

Conditions:
Walker-Warburg congenital muscular dystrophy. Also called: Muscular dystrophy-dystroglycanopathy, type A; Walker-Warburg syndrome. Identifiers: Orphanet 899, MedGen C0265221, MONDO:0000171.

Submission:

Labcorp Genetics (formerly Invitae), Labcorp
Classification: Likely pathogenic for Walker-Warburg congenital muscular dystrophy. Last evaluated: 2024-01-04. Review status: criteria provided, single submitter. Criteria: Invitae Variant Classification Sherloc (09022015). Collection method: clinical testing. Allele origin: germline.
Comment: This sequence change affects an acceptor splice site in intron 7 of the FKTN gene. It is expected to disrupt RNA splicing. Variants that disrupt the donor or acceptor splice site typically lead to a loss of protein function (PMID: 16199547), and loss-of-function variants in FKTN are known to be pathogenic (PMID: 17044012, 17878207, 18752264). This variant is not present in population databases (gnomAD no frequency). This variant has not been reported in the literature in individuals affected with FKTN-related conditions. Algorithms developed to predict the effect of sequence changes on RNA splicing suggest that this variant may disrupt the consensus splice site. In summary, the currently available evidence indicates that the variant is pathogenic, but additional data are needed to prove that conclusively. Therefore, this variant has been classified as Likely Pathogenic.

Literature cited by the submitters: PubMed 16199547; PubMed 17044012; PubMed 17878207; PubMed 18752264.

NM_001079802.2(FKTN):c.781-1G>A

Gene: FKTN (fukutin; plus strand). Cytogenetic location: 9q31.2.
Variant type: single nucleotide variant.
Coding change: c.781-1G>A on transcript NM_001079802.2 (MANE Select); the canonical splice acceptor site of the intron before coding-DNA position 781, G replaced by A.
Molecular consequence: splice acceptor variant.
Genome position (GRCh38, 1-based): chr9:105,615,277, G>A. VCF-style: chr9-105615277-G-A. GRCh37 (hg19) VCF-style: chr9-108377558-G-A.
Other names: c.781-1G>A (NM_006731.2, NM_001351496.2, NM_001198963.2 and 1 more transcripts); c.385-1G>A (NM_001351502.2, NM_001351499.2, NM_001351500.2 and 1 more transcripts); c.712-1G>A (NM_001351497.2).
Identifiers: ClinVar variation 2735317 (VCV002735317.3), dbSNP rs1830619461, ClinGen allele CA374377079.